The following is an entry in ClinVar:

ClinVar aggregate classification (germline): Uncertain significance. Review status: criteria provided, multiple submitters, no conflicts (2 of 4 stars). 3 submissions from 3 submitters: Uncertain significance (3). Last evaluated 2026-07-07.

Conditions:
Hereditary cancer-predisposing syndrome. Also called: Neoplastic Syndromes, Hereditary; Hereditary neoplastic syndrome; Hereditary Cancer Syndrome; Tumor predisposition. Identifiers: Orphanet 140162, MedGen C0027672, MeSH D009386, MONDO:0015356.
Breast-ovarian cancer, familial, susceptibility to, 4. Identifiers: Orphanet 145, MedGen C3280345, MONDO:0013669, OMIM 614291.

Submissions (3):

Ambry Genetics
Classification: Uncertain significance for Hereditary cancer-predisposing syndrome. Last evaluated: 2026-07-07. Review status: criteria provided, single submitter. Criteria: Ambry Variant Classification Scheme 2023. Collection method: clinical testing. Allele origin: germline.
Comment: The p.T77A variant (also known as c.229A>G), located in coding exon 3 of the RAD51D gene, results from an A to G substitution at nucleotide position 229. The threonine at codon 77 is replaced by alanine, an amino acid with similar properties. This amino acid position is conserved. In addition, the in silico prediction for this alteration is inconclusive. Based on the available evidence, the clinical significance of this variant remains unclear.

Color Diagnostics, LLC DBA Color Health
Classification: Uncertain significance for Hereditary cancer-predisposing syndrome. Last evaluated: 2023-12-05. Review status: criteria provided, single submitter. Criteria: ACMG Guidelines, 2015. Collection method: clinical testing. Allele origin: germline.
Comment: This missense variant replaces threonine with alanine at codon 77 of the RAD51D protein. Computational prediction suggests that this variant may not impact protein structure and function (internally defined REVEL score threshold <= 0.5, PMID: 27666373). To our knowledge, functional studies have not been reported for this variant. This variant has not been reported in individuals affected with RAD51D-related disorders in the literature. This variant has not been identified in the general population by the Genome Aggregation Database (gnomAD). The available evidence is insufficient to determine the role of this variant in disease conclusively. Therefore, this variant is classified as a Variant of Uncertain Significance.

Labcorp Genetics (formerly Invitae), Labcorp
Classification: Uncertain significance for Breast-ovarian cancer, familial, susceptibility to, 4. Last evaluated: 2018-06-13. Review status: criteria provided, single submitter. Criteria: Invitae Variant Classification Sherloc (09022015). Collection method: clinical testing. Allele origin: germline.
Comment: In summary, the available evidence is currently insufficient to determine the role of this variant in disease. Therefore, it has been classified as a Variant of Uncertain Significance. Algorithms developed to predict the effect of missense changes on protein structure and function are either unavailable or do not agree on the potential impact of this missense change (SIFT: "Deleterious"; PolyPhen-2: "Benign"; Align-GVGD: "Class C0"). This variant has not been reported in the literature in individuals with RAD51D-related disease. ClinVar contains an entry for this variant (Variation ID: 490138). This variant is not present in population databases (ExAC no frequency). This sequence change replaces threonine with alanine at codon 77 of the RAD51D protein (p.Thr77Ala). The threonine residue is weakly conserved and there is a small physicochemical difference between threonine and alanine.

NM_002878.4(RAD51D):c.229A>G (p.Thr77Ala)

Genes: RAD51D (RAD51 paralog D; minus strand), RAD51L3-RFFL (RAD51L3-RFFL readthrough; minus strand). Cytogenetic location: 17q12.
Variant type: single nucleotide variant.
Coding change: c.229A>G on transcript NM_002878.4 (MANE Select); coding-DNA position 229, A replaced by G.
Protein change: p.Thr77Ala; replaces threonine 77 with alanine.
Molecular consequence: missense variant. On other transcripts: intron variant (2).
Genome position (GRCh38, 1-based): chr17:35,118,535, T>C on the plus strand (A>G on the coding strand, the complement: RAD51D is on the minus strand). VCF-style: chr17-35118535-T-C. GRCh37 (hg19) VCF-style: chr17-33445554-T-C.
Other names: c.144+576A>G (NM_133629.3, NM_001142571.2); short protein forms T77A.
Identifiers: ClinVar variation 490138 (VCV000490138.14), dbSNP rs1555570264, ClinGen allele CA399091238.